The following is an entry in ClinVar:

NM_001114753.3(ENG):c.657_658del (p.Ile220fs)

Gene: ENG (endoglin; minus strand). Cytogenetic location: 9q34.11.
Variant type: Microsatellite.
Coding change: c.657_658del on transcript NM_001114753.3 (MANE Select); coding-DNA positions 657 to 658, 2 bases deleted (CA; older notation c.657_658delCA).
Protein change: p.Ile220fs; shifts the reading frame from isoleucine 220.
Molecular consequence: frameshift variant.
Genome position (GRCh38, 1-based): chr9:127,825,726-127,825,727, TG deleted on the plus strand (CA on the coding strand, the reverse complement: ENG is on the minus strand); deleting any 2 consecutive bases within chr9:127,825,726-127,825,729 gives the same sequence; the c. name uses the placement nearest the transcript's 3' end. VCF-style (leftmost placement, unchanged base first): chr9-127825725-ATG-A. GRCh37 (hg19) VCF-style: chr9-130588004-ATG-A.
Other names: c.655_656CA[1], p.Ile220Profs (NM_000118.4, NM_001406715.1); c.111_112del, p.Ile38fs (NM_001278138.2); short protein forms I220fs, I38fs.
Identifiers: ClinVar variation 1070889 (VCV001070889.11), dbSNP rs2131889044, ClinGen allele CA2580616314.

ClinVar aggregate classification (germline): Pathogenic (1 of 4 stars; one submission).

Conditions:
Hereditary hemorrhagic telangiectasia (HHT). Also called: Osler hemorrhagic telangiectasia syndrome; ORW DISEASE; Osler Weber Rendu syndrome; OSLER-RENDU-WEBER DISEASE. Identifiers: Orphanet 774, MedGen C0039445, MONDO:0019180. Disease mechanism: loss of function.

Submission:

Labcorp Genetics (formerly Invitae), Labcorp
Classification: Pathogenic for Hereditary hemorrhagic telangiectasia. Last evaluated: 2020-08-29. Review status: criteria provided, single submitter. Criteria: Invitae Variant Classification Sherloc (09022015). Collection method: clinical testing. Allele origin: germline.
Comment: This sequence change creates a premature translational stop signal (p.Ile220Profs*113) in the ENG gene. It is expected to result in an absent or disrupted protein product. This variant is not present in population databases (ExAC no frequency). This variant has been observed in individual(s) with hereditary hemmorhagic telangiectasia (PMID: 11343967). It has also been observed to segregate with disease in related individuals. Loss-of-function variants in ENG are known to be pathogenic (PMID: 15879500). For these reasons, this variant has been classified as Pathogenic.

Literature cited by the submitters: PubMed 11343967; PubMed 15879500.